The following is an entry in ClinVar:

NM_000751.3(CHRND):c.52+7G>A

Gene: CHRND (cholinergic receptor nicotinic delta subunit; plus strand). Cytogenetic location: 2q37.1.
Variant type: single nucleotide variant.
Coding change: c.52+7G>A on transcript NM_000751.3 (MANE Select); 7 bases into the intron after coding-DNA position 52, G replaced by A.
Molecular consequence: intron variant.
Genome position (GRCh38, 1-based): chr2:232,526,274, G>A. VCF-style: chr2-232526274-G-A. GRCh37 (hg19) VCF-style: chr2-233390984-G-A.
Other names: c.-220+7G>A (NM_001311195.2, NM_001311196.2); c.52+7G>A (NM_001256657.2).
Identifiers: ClinVar variation 898685 (VCV000898685.6), dbSNP rs1388167579, ClinGen allele CA766130714.

ClinVar aggregate classification (germline): Uncertain significance. Review status: criteria provided, single submitter (1 of 4 stars). 3 submissions from 2 submitters: Uncertain significance (2). 1 of the submissions does not count toward it. Last evaluated 2018-01-12.

Conditions:
Congenital myasthenic syndrome (CMS). Also called: Congenital Myasthenic Syndromes. Identifiers: Orphanet 590, MedGen C0751882, MeSH D020294, MONDO:0018940.
CHRND-related disorder. Also called: CHRND-Related Disorders; CHRND-related condition.
Lethal multiple pterygium syndrome (LMPS). Identifiers: Orphanet 33108, MedGen C1854678, MONDO:0009668, OMIM 253290.

Allele frequency attached by ClinVar (database versions not stated): gnomAD 0.00001; TOPMed 0.00001.
gnomAD v4.1: 2 of 1,611,678 alleles (0.00012%); highest among the groups gnomAD compares: East Asian, 0.0045%; no homozygotes.

Submissions (3):

Illumina Laboratory Services, Illumina
Classification: Uncertain significance for Congenital myasthenic syndrome. Last evaluated: 2018-01-12. Review status: criteria provided, single submitter. Criteria: ICSL Variant Classification Criteria 13 December 2019. Collection method: clinical testing. Allele origin: germline.

Illumina Laboratory Services, Illumina
Classification: Uncertain significance for Lethal multiple pterygium syndrome. Last evaluated: 2018-01-12. Review status: criteria provided, single submitter. Criteria: ICSL Variant Classification Criteria 13 December 2019. Collection method: clinical testing. Allele origin: germline.

PreventionGenetics, part of Exact Sciences
Classification: Likely benign for CHRND-related condition. Last evaluated: 2019-09-09. Review status: no assertion criteria provided. Collection method: clinical testing. Allele origin: germline. Not counted in ClinVar's aggregate classification.
Comment: This variant is classified as likely benign based on ACMG/AMP sequence variant interpretation guidelines (Richards et al. 2015 PMID: 25741868, with internal and published modifications).